The following is an entry in ClinVar:

NM_024426.6(WT1):c.1025C>T (p.Thr342Ile)

Gene: WT1 (WT1 transcription factor; minus strand). Cytogenetic location: 11p13.
Variant type: single nucleotide variant.
Coding change: c.1025C>T on transcript NM_024426.6 (MANE Select); coding-DNA position 1025, C replaced by T.
Protein change: p.Thr342Ile; replaces threonine 342 with isoleucine.
Molecular consequence: missense variant. On other transcripts: non-coding transcript variant (2), 5 prime UTR variant (1).
Genome position (GRCh38, 1-based): chr11:32,400,036, G>A on the plus strand (C>T on the coding strand, the complement: WT1 is on the minus strand). VCF-style: chr11-32400036-G-A. GRCh37 (hg19) VCF-style: chr11-32421582-G-A.
Other names: c.1025C>T, p.Thr342Ile (NM_001407046.1, NM_024424.5); c.902C>T, p.Thr301Ile (NM_001407047.1); c.974C>T, p.Thr325Ile (NM_001407048.1, NM_001407049.1, NM_000378.6 and 1 more transcripts); c.851C>T, p.Thr284Ile (NM_001407050.1); c.263C>T, p.Thr88Ile (NM_001407051.1); c.806C>T, p.Thr269Ile (NM_001429031.1, NM_001429032.1); c.755C>T, p.Thr252Ile (NM_001429033.1, NM_001429034.1); c.374C>T, p.Thr125Ile (NM_001198551.2); and 3 more; short protein forms T125I, T301I, T325I, T252I, T269I, T340I, T284I, T342I.
Identifiers: ClinVar variation 4843801 (VCV004843801.1).

ClinVar aggregate classification (germline): Uncertain significance (1 of 4 stars; one submission).

Conditions:
Inborn genetic diseases. Identifiers: MedGen C0950123, MeSH D030342.

gnomAD v4.1: 1 of 1,614,228 alleles (0.000062%); highest among the groups gnomAD compares: Non-Finnish European, 0.000085%; no homozygotes.

Submission:

Ambry Genetics
Classification: Uncertain significance for Inborn genetic diseases. Last evaluated: 2025-12-21. Review status: criteria provided, single submitter. Criteria: Ambry Variant Classification Scheme 2023. Collection method: clinical testing. Allele origin: germline.
Comment: The p.T337I variant (also known as c.1010C>T), located in coding exon 6 of the WT1 gene, results from a C to T substitution at nucleotide position 1010. The threonine at codon 337 is replaced by isoleucine, an amino acid with similar properties. This amino acid position is conserved. In addition, the in silico prediction for this alteration is inconclusive. Based on the available evidence, the clinical significance of this variant remains unclear.